The following is an entry in ClinVar:

ClinVar aggregate classification (germline): Uncertain significance (1 of 4 stars; one submission).

Conditions:
Cardiovascular phenotype. Identifiers: MedGen CN230736.

gnomAD v4.1: 22 of 1,605,282 alleles (0.0014%); highest among the groups gnomAD compares: East Asian, 0.0022%; no homozygotes.

Submission:

Ambry Genetics
Classification: Uncertain significance for Cardiovascular phenotype. Last evaluated: 2024-10-19. Review status: criteria provided, single submitter. Criteria: Ambry Variant Classification Scheme 2023. Collection method: clinical testing. Allele origin: germline.
Comment: The p.P1472L variant (also known as c.4415C>T), located in coding exon 11 of the TNXB gene, results from a C to T substitution at nucleotide position 4415. The proline at codon 1472 is replaced by leucine, an amino acid with similar properties. This amino acid position is conserved. In addition, this alteration is predicted to be tolerated by in silico analysis. Based on the available evidence, the clinical significance of this variant remains unclear.

NM_001365276.2(TNXB):c.4415C>T (p.Pro1472Leu)

Gene: TNXB (tenascin XB; minus strand). Cytogenetic location: 6p21.33.
Variant type: single nucleotide variant.
Coding change: c.4415C>T on transcript NM_001365276.2 (MANE Select); coding-DNA position 4415, C replaced by T.
Protein change: p.Pro1472Leu; replaces proline 1472 with leucine.
Molecular consequence: missense variant.
Genome position (GRCh38, 1-based): chr6:32,073,913, G>A on the plus strand (C>T on the coding strand, the complement: TNXB is on the minus strand). VCF-style: chr6-32073913-G-A. GRCh37 (hg19) VCF-style: chr6-32041690-G-A.
Other names: c.5156C>T, p.Pro1719Leu (NM_001428335.1); c.4415C>T, p.Pro1472Leu (NM_019105.8); short protein forms P1719L, P1472L.
Identifiers: ClinVar variation 3459813 (VCV003459813.1).